The following is an entry in ClinVar:

ClinVar aggregate classification (germline): Uncertain significance (3 of 4 stars; one submission).

Conditions:
Monogenic diabetes. Identifiers: Orphanet 183625, MedGen C3888631, MONDO:0015967.

Allele frequency attached by ClinVar (database versions not stated): ExAC 0.00001; gnomAD exomes 0.00001.
gnomAD v4.1: 11 of 1,613,944 alleles (0.00068%); highest among the groups gnomAD compares: East Asian, 0.025%; no homozygotes.

Submission:

ClinGen Monogenic Diabetes Variant Curation Expert Panel
Classification: Uncertain significance for Monogenic diabetes. Last evaluated: 2024-04-06. Review status: reviewed by expert panel. Criteria: ClinGen Diabetes ACMG Specifications HNF4A V2.0.0. Collection method: curation. Allele origin: germline. Inheritance: Autosomal dominant inheritance.
Comment: The c.767A>C variant in the hepatocyte nuclear factor 4-alpha gene, HNF4A, causes an amino acid change of glutamic acid to alanine at codon 256 (p.(Glu256Ala)) of NM_175914.5. This variant has a REVEL score of 0.641, which is between the ClinGen MDEP thresholds for BP4 and PP3, predicting neither a damaging nor benign impact on HNF4A function. This variant has an incomputable gnomAD v2.1.1 Grpmax filtering allele frequency due to 1 copy in the East Asian subpopulation and zero copies in any other subpopulation, thereby meeting the ClinGen MDEP threshold criteria for PM2_Supporting (ENF Grpmax FAF <= 0.000003 and <= 2 copies in ENF and <=1 copy in any other subpopulation) (PM2_Supporting). This variant was identified in an individual with diabetes; however, the MODY probability is unable to be calculated due to lack of treatment information (PMID: 28597946). In summary, c.767A>C meets the criteria to be classified as a variant of uncertain signficance for monogenic diabetes. ACMG/AMP criteria applied, as specified by the ClinGen MDEP (specification version 2.0.0, approved 10/11/2023): PM2_Supporting.

NM_175914.5(HNF4A):c.767A>C (p.Glu256Ala)

Gene: HNF4A (hepatocyte nuclear factor 4 alpha; plus strand). Cytogenetic location: 20q13.12.
Variant type: single nucleotide variant.
Coding change: c.767A>C on transcript NM_175914.5 (MANE Select); coding-DNA position 767, A replaced by C.
Protein change: p.Glu256Ala; replaces glutamic acid 256 with alanine.
Molecular consequence: missense variant.
Genome position (GRCh38, 1-based): chr20:44,419,817, A>C. VCF-style: chr20-44419817-A-C. GRCh37 (hg19) VCF-style: chr20-43048457-A-C.
Other names: NM_175914.5:c.767A>C; c.833A>C, p.Glu278Ala (NM_000457.6, NM_178849.3, NM_178850.3); c.767A>C, p.Glu256Ala (NM_001030003.3, NM_001030004.3); c.812A>C, p.Glu271Ala (NM_001258355.2); c.758A>C, p.Glu253Ala (NM_001287182.2, NM_001287183.2, NM_001287184.2); short protein forms E253A, E256A, E271A, E278A.
Identifiers: ClinVar variation 3234007 (VCV003234007.1), dbSNP rs756539709, ClinGen allele CA9870374.
Genomic context (GRCh38, chr20:44,419,817, plus strand): 5'-TGGCGGAGATGAGCCGGGTGTCCATACGCATCCTTGACGAGCTGGTGCTGCCCTTCCAGG[A>C]GCTGCAGATCGATGACAATGAGTATGCCTACCTCAAAGCCATCATCTTCTTTGACCCAGG-3'
Protein context (NP_787110.2, residues 246-266): ILDELVLPFQ[Glu256Ala]LQIDDNEYAY